The following is an entry in ClinVar:

NM_000393.5(COL5A2):c.3731T>A (p.Met1244Lys)

Gene: COL5A2 (collagen type V alpha 2 chain; minus strand). Cytogenetic location: 2q32.2.
Variant type: single nucleotide variant.
Coding change: c.3731T>A on transcript NM_000393.5 (MANE Select); coding-DNA position 3731, T replaced by A.
Protein change: p.Met1244Lys; replaces methionine 1244 with lysine.
Molecular consequence: missense variant.
Genome position (GRCh38, 1-based): chr2:189,039,466, A>T on the plus strand (T>A on the coding strand, the complement: COL5A2 is on the minus strand). VCF-style: chr2-189039466-A-T. GRCh37 (hg19) VCF-style: chr2-189904192-A-T.
Other names: p.Met1244Lys; short protein forms M1244K.
Identifiers: ClinVar variation 1305634 (VCV001305634.4), dbSNP rs145100971, ClinGen allele CA62585230.
Genomic context (GRCh38, chr2:189,039,466, plus strand): 5'-GTTTTGTTTTTGTCATCAGGAGCCGCCTGATCTTCAGTAAACTCAGGAAGTGGATCTGGC[A>T]TGCTTTCATCATAGTGCCCCATGATATCCCCAAGAGCAGCTGTAAGGTGGCCAGGGGGAC-3'
Protein context (NP_000384.2, residues 1234-1254): GDIMGHYDES[Met1244Lys]PDPLPEFTED

ClinVar aggregate classification (germline): Uncertain significance. Review status: criteria provided, multiple submitters, no conflicts (2 of 4 stars). 2 submissions from 2 submitters: Uncertain significance (2). Last evaluated 2025-03-31.

Allele frequency attached by ClinVar (database versions not stated): gnomAD exomes below 0.00001; ESP Exome Variant Server 0.00008.

Submissions (2):

Mayo Clinic Laboratories, Mayo Clinic
Classification: Uncertain significance. Last evaluated: 2025-03-31. Review status: criteria provided, single submitter. Criteria: ACMG Guidelines, 2015. Collection method: clinical testing. Allele origin: germline. Observed: 1 variant allele.
Comment: PM2_supporting

GeneDx
Classification: Uncertain significance. Last evaluated: 2024-05-20. Review status: criteria provided, single submitter. Criteria: GeneDx Variant Classification Process June 2021. Collection method: clinical testing. Allele origin: germline. Affected: yes.
Comment: Not observed at significant frequency in large population cohorts (gnomAD); In silico analysis indicates that this missense variant does not alter protein structure/function; Has not been previously published as pathogenic or benign to our knowledge; This variant is associated with the following publications: (PMID: 22696272)